The following is an entry in ClinVar:

ClinVar aggregate classification (germline): Likely pathogenic. Review status: criteria provided, single submitter (1 of 4 stars). 2 submissions from 2 submitters: Likely pathogenic (1). 1 of the submissions does not count toward it. Last evaluated 2025-02-25.

Conditions:
Autosomal dominant nonsyndromic hearing loss 12. Also called: DEAFNESS, AUTOSOMAL DOMINANT 8. Identifiers: Orphanet 90635, MedGen C1832187, MONDO:0011102, OMIM 601543.

Submissions (2):

GeneDx
Classification: Likely pathogenic. Last evaluated: 2025-02-25. Review status: criteria provided, single submitter. Criteria: GeneDx Variant Classification Process June 2021. Collection method: clinical testing. Allele origin: germline. Affected: yes.
Comment: RNA studies demonstrate a damaging effect as this variant results in aberrant splicing with exon 16 being skipped (PMID: 18575463); Not observed at significant frequency in large population cohorts (gnomAD); In silico analysis indicates that this variant does not alter splicing; This variant is associated with the following publications: (PMID: 19005249, 32382995, 18575463)

OMIM
Classification: Pathogenic for DEAFNESS, AUTOSOMAL DOMINANT 12. Last evaluated: 2008-12-01. Review status: no assertion criteria provided. Collection method: literature only. Allele origin: germline. Not counted in ClinVar's aggregate classification.

Literature cited by the submitters: PubMed 18575463 (cited by OMIM).

NM_005422.4(TECTA):c.5331G>A (p.Leu1777=)

Genes: TECTA (tectorin alpha; plus strand), TBCEL-TECTA (TBCEL-TECTA readthrough; plus strand). Cytogenetic location: 11q23.3.
Variant type: single nucleotide variant.
Coding change: c.5331G>A on transcript NM_005422.4 (MANE Select); coding-DNA position 5331, G replaced by A.
Protein change: p.Leu1777=; no amino-acid change (leucine 1777 retained).
Molecular consequence: synonymous variant.
Genome position (GRCh38, 1-based): chr11:121,165,331, G>A. VCF-style: chr11-121165331-G-A. GRCh37 (hg19) VCF-style: chr11-121036040-G-A.
Other names: 5331G-A; c.6273G>A, p.Leu2091= (NM_001378761.1).
Identifiers: ClinVar variation 7024 (VCV000007024.2), dbSNP rs1591462832, ClinGen allele CA477217157.